The following is an entry in ClinVar:

NM_024753.5(TTC21B):c.3265A>G (p.Asn1089Asp)

Gene: TTC21B (tetratricopeptide repeat domain 21B; minus strand). Cytogenetic location: 2q24.3.
Variant type: single nucleotide variant.
Coding change: c.3265A>G on transcript NM_024753.5 (MANE Select); coding-DNA position 3265, A replaced by G.
Protein change: p.Asn1089Asp; replaces asparagine 1089 with aspartic acid.
Molecular consequence: missense variant.
Genome position (GRCh38, 1-based): chr2:165,888,473, T>C on the plus strand (A>G on the coding strand, the complement: TTC21B is on the minus strand). VCF-style: chr2-165888473-T-C. GRCh37 (hg19) VCF-style: chr2-166744983-T-C.
Other names: c.3265A>G (NM_024753.4); short protein forms N1089D.
Identifiers: ClinVar variation 1361055 (VCV001361055.9), dbSNP rs1403922219, ClinGen allele CA349047812.

ClinVar aggregate classification (germline): Uncertain significance. Review status: criteria provided, single submitter (1 of 4 stars). 2 submissions from 2 submitters: Uncertain significance (1). 1 of the submissions does not count toward it. Last evaluated 2022-09-01.

Conditions:
Nephronophthisis. Also called: Juvenile Nephronophthisis. Identifiers: Orphanet 655, MedGen C0687120, MONDO:0019005, HP:0000090.
Jeune thoracic dystrophy. Also called: Short-rib thoracic dysplasia; Jeune syndrome; Infantile thoracic dystrophy; Thoracic pelvic phalangeal dystrophy; Jeune's syndrome; Chondroectodermal dysplasia-like syndrome. Identifiers: Orphanet 474, MedGen C0265275, MONDO:0018770.
TTC21B-related disorder. Also called: TTC21B-related disorders; TTC21B-related condition.

Allele frequency attached by ClinVar (database versions not stated): gnomAD exomes below 0.00001; gnomAD 0.00001; TOPMed 0.00003.
gnomAD v4.1: 2 of 1,607,328 alleles (0.00012%); highest among the groups gnomAD compares: African/African-American, 0.0027%; no homozygotes.

Submissions (2):

Labcorp Genetics (formerly Invitae), Labcorp
Classification: Uncertain significance for Jeune thoracic dystrophy; Nephronophthisis. Last evaluated: 2022-09-01. Review status: criteria provided, single submitter. Criteria: Invitae Variant Classification Sherloc (09022015). Collection method: clinical testing. Allele origin: germline.
Comment: In summary, the available evidence is currently insufficient to determine the role of this variant in disease. Therefore, it has been classified as a Variant of Uncertain Significance. Algorithms developed to predict the effect of missense changes on protein structure and function (SIFT, PolyPhen-2, Align-GVGD) all suggest that this variant is likely to be tolerated. ClinVar contains an entry for this variant (Variation ID: 1361055). This variant has not been reported in the literature in individuals affected with TTC21B-related conditions. This variant is not present in population databases (gnomAD no frequency). This sequence change replaces asparagine, which is neutral and polar, with aspartic acid, which is acidic and polar, at codon 1089 of the TTC21B protein (p.Asn1089Asp).

PreventionGenetics, part of Exact Sciences
Classification: Uncertain significance for TTC21B-related condition. Last evaluated: 2024-08-27. Review status: no assertion criteria provided. Collection method: clinical testing. Allele origin: germline. Not counted in ClinVar's aggregate classification.
Comment: The TTC21B c.3265A>G variant is predicted to result in the amino acid substitution p.Asn1089Asp. To our knowledge, this variant has not been reported in the literature or in a large population database, indicating this variant is rare. At this time, the clinical significance of this variant is uncertain due to the absence of conclusive functional and genetic evidence.